The following is an entry in ClinVar:

ClinVar aggregate classification (germline): Uncertain significance (1 of 4 stars; one submission).

Conditions:
Inborn genetic diseases. Identifiers: MedGen C0950123, MeSH D030342.

gnomAD v4.1: 5 of 1,597,730 alleles (0.00031%); highest among the groups gnomAD compares: African/African-American, 0.0054%; no homozygotes.

Submission:

Ambry Genetics
Classification: Uncertain significance for Inborn genetic diseases. Last evaluated: 2025-06-23. Review status: criteria provided, single submitter. Criteria: Ambry Variant Classification Scheme 2023. Collection method: clinical testing. Allele origin: germline.
Comment: The p.L272F variant (also known as c.814C>T), located in coding exon 2 of the SH2B3 gene, results from a C to T substitution at nucleotide position 814. The leucine at codon 272 is replaced by phenylalanine, an amino acid with highly similar properties. This amino acid position is conserved. In addition, this alteration is predicted to be tolerated by in silico analysis. Based on the available evidence, the clinical significance of this variant remains unclear.

NM_005475.3(SH2B3):c.814C>T (p.Leu272Phe)

Gene: SH2B3 (SH2B adaptor protein 3; plus strand). Cytogenetic location: 12q24.12.
Variant type: single nucleotide variant.
Coding change: c.814C>T on transcript NM_005475.3 (MANE Select); coding-DNA position 814, C replaced by T.
Protein change: p.Leu272Phe; replaces leucine 272 with phenylalanine.
Molecular consequence: missense variant.
Genome position (GRCh38, 1-based): chr12:111,446,834, C>T. VCF-style: chr12-111446834-C-T. GRCh37 (hg19) VCF-style: chr12-111884638-C-T.
Other names: c.208C>T, p.Leu70Phe (NM_001291424.1); short protein forms L272F, L70F.
Identifiers: ClinVar variation 3953571 (VCV003953571.2).